The following is an entry in ClinVar:

NC_000006.12:g.46079798A>T

Gene: CLIC5 (CLIC family member 5; minus strand). Cytogenetic location: 6p21.1.
Variant type: single nucleotide variant.
Molecular consequence: missense variant (on NM_001114086.2). On other transcripts: intron variant (1).
Genome position: GRCh38 VCF-style: chr6-46079798-A-T. GRCh37 (hg19) VCF-style: chr6-46047535-A-T.
Other names: c.445T>A, p.Phe149Ile (NM_001114086.2, NM_001370650.1); c.-55+49706T>A (NM_001370649.1); short protein forms F149I.
Identifiers: ClinVar variation 1449719 (VCV001449719.6), dbSNP rs781433678, ClinGen allele CA138549322.

ClinVar aggregate classification (germline): Uncertain significance (1 of 4 stars; one submission).

Allele frequency attached by ClinVar (database versions not stated): gnomAD exomes 0.00004 and 0.00002; TOPMed 0.00005; gnomAD 0.00007 and 0.00008.
gnomAD v4.1: 44 of 1,552,084 alleles (0.0028%); highest among the groups gnomAD compares: Admixed American, 0.031%; no homozygotes.

Submission:

Labcorp Genetics (formerly Invitae), Labcorp
Classification: Uncertain significance. Last evaluated: 2025-03-20. Review status: criteria provided, single submitter. Criteria: Invitae Variant Classification Sherloc (09022015). Collection method: clinical testing. Allele origin: germline.
Comment: This sequence change replaces phenylalanine, which is neutral and non-polar, with isoleucine, which is neutral and non-polar, at codon 149 of the CLIC5 protein (p.Phe149Ile). This variant is present in population databases (rs781433678, gnomAD 0.02%). This variant has not been reported in the literature in individuals affected with CLIC5-related conditions. ClinVar contains an entry for this variant (Variation ID: 1449719). An algorithm developed to predict the effect of missense changes on protein structure and function (PolyPhen-2) suggests that this variant is likely to be tolerated. In summary, the available evidence is currently insufficient to determine the role of this variant in disease. Therefore, it has been classified as a Variant of Uncertain Significance.